The following is an entry in ClinVar:

ClinVar aggregate classification (germline): Uncertain significance (1 of 4 stars; one submission).

Conditions:
Legius syndrome. Identifiers: Orphanet 137605, MedGen C1969623, MONDO:0012669, OMIM 611431. Disease mechanism: loss of function.

Allele frequency attached by ClinVar (database versions not stated): gnomAD exomes below 0.00001; TOPMed below 0.00001.
gnomAD v4.1: 5 of 1,580,132 alleles (0.00032%); highest among the groups gnomAD compares: Non-Finnish European, 0.00035%; no homozygotes.

Submission:

Labcorp Genetics (formerly Invitae), Labcorp
Classification: Uncertain significance for Legius syndrome. Last evaluated: 2024-10-05. Review status: criteria provided, single submitter. Criteria: Invitae Variant Classification Sherloc (09022015). Collection method: clinical testing. Allele origin: germline.
Comment: This sequence change falls in intron 6 of the SPRED1 gene. It does not directly change the encoded amino acid sequence of the SPRED1 protein. It affects a nucleotide within the consensus splice site. This variant is present in population databases (no rsID available, gnomAD 0.0009%). This variant has not been reported in the literature in individuals affected with SPRED1-related conditions. ClinVar contains an entry for this variant (Variation ID: 1399583). Variants that disrupt the consensus splice site are a relatively common cause of aberrant splicing (PMID: 17576681, 9536098). Algorithms developed to predict the effect of sequence changes on RNA splicing suggest that this variant may disrupt the consensus splice site. In summary, the available evidence is currently insufficient to determine the role of this variant in disease. Therefore, it has been classified as a Variant of Uncertain Significance.

Literature cited by the submitters: PubMed 17576681; PubMed 9536098.

NM_152594.3(SPRED1):c.684+5G>A

Gene: SPRED1 (sprouty related EVH1 domain containing 1; plus strand). Cytogenetic location: 15q14.
Variant type: single nucleotide variant.
Coding change: c.684+5G>A on transcript NM_152594.3 (MANE Select); 5 bases into the intron after coding-DNA position 684, G replaced by A.
Molecular consequence: intron variant.
Genome position (GRCh38, 1-based): chr15:38,349,528, G>A. VCF-style: chr15-38349528-G-A. GRCh37 (hg19) VCF-style: chr15-38641729-G-A.
Identifiers: ClinVar variation 1399583 (VCV001399583.8), dbSNP rs985085386, ClinGen allele CA269293281.
Genomic context (GRCh38, chr15:38,349,528, plus strand): 5'-AATACGTACAGCGGCAAATATCCAAGGAATGTGGAAGCCTAAAGTCCCAAAATAGGGTAA[G>A]TAATGTTAGTTTATCTTGTGATATGGAATTTAACTAATTAATAGATAGGTAAAGTTTTCC-3'